The following is an entry in ClinVar:

ClinVar aggregate classification (germline): Likely benign. Review status: criteria provided, multiple submitters, no conflicts (2 of 4 stars). 4 submissions from 4 submitters: Likely benign (4). Last evaluated 2025-05-19.

Conditions:
Neuronopathy, distal hereditary motor, autosomal recessive 4. Also called: Autosomal recessive lower motor neuron disease with childhood onset; NEUROPATHY, DISTAL HEREDITARY MOTOR, AUTOSOMAL RECESSIVE 4. Identifiers: Orphanet 206580, MedGen C1970211, MONDO:0012608, OMIM 611067.
Charcot-Marie-Tooth disease recessive intermediate C. Also called: CHARCOT-MARIE-TOOTH NEUROPATHY, RECESSIVE INTERMEDIATE C. Identifiers: Orphanet 369867, MedGen C3809309, MONDO:0014154, OMIM 615376.

Allele frequency attached by ClinVar (database versions not stated): gnomAD 0.00001; gnomAD exomes 0.00002; TOPMed 0.00003.
gnomAD v4.1: 31 of 1,598,584 alleles (0.0019%); highest among the groups gnomAD compares: Admixed American, 0.0051%; no homozygotes.

Submissions (4):

Labcorp Genetics (formerly Invitae), Labcorp
Classification: Likely benign for Neuronopathy, distal hereditary motor, autosomal recessive 4; Charcot-Marie-Tooth disease recessive intermediate C. Last evaluated: 2025-05-19. Review status: criteria provided, single submitter. Criteria: Invitae Variant Classification Sherloc (09022015). Collection method: clinical testing. Allele origin: germline.

Women's Health and Genetics/Laboratory Corporation of America, LabCorp
Classification: Likely benign. Last evaluated: 2025-04-16. Review status: criteria provided, single submitter. Criteria: LabCorp Variant Classification Summary - May 2015. Collection method: clinical testing. Allele origin: germline.
Comment: Variant summary: PLEKHG5 c.1081-19C>T alters a non-conserved nucleotide located at a position not widely known to affect splicing. Consensus agreement among computation tools predict no significant impact on normal splicing. However, these predictions have yet to be confirmed by functional studies. The frequency data for this variant in gnomAD is considered unreliable, as metrics indicate poor data quality at this position. To our knowledge, no occurrence of c.1081-19C>T in individuals affected with Distal Spinal Muscular Atrophy, Autosomal Recessive 4 and no experimental evidence demonstrating its impact on protein function have been reported. ClinVar contains an entry for this variant (Variation ID: 392960). Based on the evidence outlined above, the variant was classified as likely benign.

Blueprint Genetics
Classification: Likely benign. Last evaluated: 2022-12-14. Review status: criteria provided, single submitter. Criteria: ACMG Guidelines, 2015. Collection method: clinical testing. Allele origin: germline.

GeneDx
Classification: Likely benign. Last evaluated: 2017-01-17. Review status: criteria provided, single submitter. Criteria: GeneDx Variant Classification (06012015). Collection method: clinical testing. Allele origin: germline. Affected: yes.
Comment: This variant is considered likely benign or benign based on one or more of the following criteria: it is a conservative change, it occurs at a poorly conserved position in the protein, it is predicted to be benign by multiple in silico algorithms, and/or has population frequency not consistent with disease.

NM_020631.6(PLEKHG5):c.1081-19C>T

Gene: PLEKHG5 (pleckstrin homology and RhoGEF domain containing G5; minus strand). Cytogenetic location: 1p36.31.
Variant type: single nucleotide variant.
Coding change: c.1081-19C>T on transcript NM_020631.6 (MANE Select); 19 bases into the intron before coding-DNA position 1081, C replaced by T.
Molecular consequence: intron variant.
Genome position (GRCh38, 1-based): chr1:6,471,827, G>A on the plus strand (C>T on the coding strand, the complement: PLEKHG5 is on the minus strand). VCF-style: chr1-6471827-G-A. GRCh37 (hg19) VCF-style: chr1-6531887-G-A.
Other names: c.1081-19C>T (NM_198681.4, NM_001265594.3, NM_001042664.2 and 1 more transcripts); c.1192-19C>T (NM_001042663.3, NM_001265592.2); c.1288-19C>T (NM_001265593.2).
Identifiers: ClinVar variation 392960 (VCV000392960.12), dbSNP rs1057524719, ClinGen allele CA16603779.